The following is an entry in ClinVar:

ClinVar aggregate classification (germline): Uncertain significance (1 of 4 stars; one submission).

Conditions:
Ataxia-telangiectasia syndrome (AT). Also called: ATAXIA-TELANGIECTASIA, FRESNO VARIANT; Ataxia-telangiectasia, complementation group D; AT, COMPLEMENTATION GROUP C; Cerebello-oculocutaneous telangiectasia; Immunodeficiency with ataxia telangiectasia; Ataxia telangiectasia (A-T). Identifiers: Orphanet 100, MedGen C0004135, MONDO:0008840, OMIM 208900.

Submission:

Labcorp Genetics (formerly Invitae), Labcorp
Classification: Uncertain significance for Ataxia-telangiectasia syndrome. Last evaluated: 2023-07-17. Review status: criteria provided, single submitter. Criteria: Invitae Variant Classification Sherloc (09022015). Collection method: clinical testing. Allele origin: germline.
Comment: In summary, the available evidence is currently insufficient to determine the role of this variant in disease. Therefore, it has been classified as a Variant of Uncertain Significance. An algorithm developed to predict the effect of missense changes on protein structure and function (PolyPhen-2) suggests that this variant is likely to be tolerated. ClinVar contains an entry for this variant (Variation ID: 1026464). This variant has not been reported in the literature in individuals affected with ATM-related conditions. This variant is not present in population databases (gnomAD no frequency). This sequence change replaces glutamine, which is neutral and polar, with histidine, which is basic and polar, at codon 161 of the ATM protein (p.Gln161His).

NM_000051.4(ATM):c.483G>T (p.Gln161His)

Gene: ATM (ATM serine/threonine kinase; plus strand). Cytogenetic location: 11q22.3.
Variant type: single nucleotide variant.
Coding change: c.483G>T on transcript NM_000051.4 (MANE Select); coding-DNA position 483, G replaced by T.
Protein change: p.Gln161His; replaces glutamine 161 with histidine.
Molecular consequence: missense variant.
Genome position (GRCh38, 1-based): chr11:108,235,821, G>T. VCF-style: chr11-108235821-G-T. GRCh37 (hg19) VCF-style: chr11-108106548-G-T.
Other names: c.483G>T, p.Gln161His (NM_001351834.2); short protein forms Q161H.
Identifiers: ClinVar variation 1026464 (VCV001026464.9), dbSNP rs864622742, ClinGen allele CA382525660.
Genomic context (GRCh38, chr11:108,235,821, plus strand): 5'-TAGCAACATACTACTCAAAGACATTCTTTCTGTGAGAAAATACTGGTGTGAAATATCTCA[G>T]CAACAGTGGTTAGGTATGTTTTGAAGGTTGTTGTTTGTGAATTTTTCCTCATGAAATGAA-3'
Protein context (NP_000042.3, residues 151-171): SVRKYWCEIS[Gln161His]QQWLELFSVY